The following is an entry in ClinVar:

NM_006514.4(SCN10A):c.4973C>T (p.Thr1658Ile)

Gene: SCN10A (sodium voltage-gated channel alpha subunit 10; minus strand). Cytogenetic location: 3p22.2.
Variant type: single nucleotide variant.
Coding change: c.4973C>T on transcript NM_006514.4 (MANE Select); coding-DNA position 4973, C replaced by T.
Protein change: p.Thr1658Ile; replaces threonine 1658 with isoleucine.
Molecular consequence: missense variant.
Genome position (GRCh38, 1-based): chr3:38,698,247, G>A on the plus strand (C>T on the coding strand, the complement: SCN10A is on the minus strand). VCF-style: chr3-38698247-G-A. GRCh37 (hg19) VCF-style: chr3-38739738-G-A.
Other names: c.4970C>T, p.Thr1657Ile (NM_001293306.2); c.4679C>T, p.Thr1560Ile (NM_001293307.2); short protein forms T1658I, T1560I, T1657I.
Identifiers: ClinVar variation 3438096 (VCV003438096.1).
Genomic context (GRCh38, chr3:38,698,247, plus strand): 5'-CAGTAGGGGGGCCCTGTGTTGAGGATGGGGCTGAGGAGGCCATCCCAGCCGGCCGACGTG[G>A]TAATCTGGAAGAGGCACAGCATGCTGTTGGCGAAGGTCTGGAAGTTGAACATGTCGTCGA-3'
Protein context (NP_006505.4, residues 1648-1668): ANSMLCLFQI[Thr1658Ile]TSAGWDGLLS

ClinVar aggregate classification (germline): Uncertain significance (1 of 4 stars; one submission).

Conditions:
Cardiovascular phenotype. Identifiers: MedGen CN230736.

Submission:

Ambry Genetics
Classification: Uncertain significance for Cardiovascular phenotype. Last evaluated: 2024-07-26. Review status: criteria provided, single submitter. Criteria: Ambry Variant Classification Scheme 2023. Collection method: clinical testing. Allele origin: germline.
Comment: The p.T1658I variant (also known as c.4973C>T), located in coding exon 27 of the SCN10A gene, results from a C to T substitution at nucleotide position 4973. The threonine at codon 1658 is replaced by isoleucine, an amino acid with similar properties. This amino acid position is highly conserved in available vertebrate species. In addition, this alteration is predicted to be deleterious by in silico analysis. The evidence for this gene-disease relationship is limited; therefore, the clinical significance of this alteration is unclear.